The following is an entry in ClinVar:

NM_001384140.1(PCDH15):c.902C>T (p.Thr301Met)

Gene: PCDH15 (protocadherin related 15; minus strand). Cytogenetic location: 10q21.1.
Variant type: single nucleotide variant.
Coding change: c.902C>T on transcript NM_001384140.1 (MANE Select); coding-DNA position 902, C replaced by T.
Protein change: p.Thr301Met; replaces threonine 301 with methionine.
Molecular consequence: missense variant.
Genome position (GRCh38, 1-based): chr10:54,236,906, G>A on the plus strand (C>T on the coding strand, the complement: PCDH15 is on the minus strand). VCF-style: chr10-54236906-G-A. GRCh37 (hg19) VCF-style: chr10-55996666-G-A.
Other names: c.917C>T, p.Thr306Met (NM_001142763.2, NM_001142769.4, NM_001142771.2); c.902C>T, p.Thr301Met (NM_001142764.2, NM_001142765.2, NM_001142766.2 and 7 more transcripts); c.791C>T, p.Thr264Met (NM_001142767.2); c.836C>T, p.Thr279Met (NM_001142768.2, NM_001142773.2, NM_001354404.2); short protein forms T264M, T279M, T301M, T306M.
Identifiers: ClinVar variation 1209591 (VCV001209591.8), dbSNP rs370933593, ClinGen allele CA5506547.

ClinVar aggregate classification (germline): Uncertain significance. Review status: criteria provided, multiple submitters, no conflicts (2 of 4 stars). 5 submissions from 4 submitters: Uncertain significance (5). Last evaluated 2022-08-06.

Conditions:
Autosomal recessive nonsyndromic hearing loss 23. Identifiers: Orphanet 90636, MedGen C1836027, MONDO:0012293, OMIM 609533.
Usher syndrome type 1F (USH1F). Also called: USHER SYNDROME, TYPE IF. Identifiers: Orphanet 231169, Orphanet 886, MedGen C1865885, MONDO:0011186, OMIM 602083.

Allele frequency attached by ClinVar (database versions not stated): gnomAD 0.00003 and 0.00006; ExAC 0.00006; gnomAD exomes 0.00006 and 0.00008; TOPMed 0.00006; 1000 Genomes Project 0.00020; 1000 Genomes Project 30x 0.00031.
gnomAD v4.1: 99 of 1,613,408 alleles (0.0061%); highest among the groups gnomAD compares: South Asian, 0.043%; no homozygotes.

Submissions (5):

Labcorp Genetics (formerly Invitae), Labcorp
Classification: Uncertain significance. Last evaluated: 2022-08-06. Review status: criteria provided, single submitter. Criteria: Invitae Variant Classification Sherloc (09022015). Collection method: clinical testing. Allele origin: germline.
Comment: This sequence change replaces threonine, which is neutral and polar, with methionine, which is neutral and non-polar, at codon 301 of the PCDH15 protein (p.Thr301Met). This variant is present in population databases (rs370933593, gnomAD 0.04%). This variant has not been reported in the literature in individuals affected with PCDH15-related conditions. ClinVar contains an entry for this variant (Variation ID: 1209591). Algorithms developed to predict the effect of missense changes on protein structure and function are either unavailable or do not agree on the potential impact of this missense change (SIFT: "Deleterious"; PolyPhen-2: "Probably Damaging"; Align-GVGD: "Class C0"). In summary, the available evidence is currently insufficient to determine the role of this variant in disease. Therefore, it has been classified as a Variant of Uncertain Significance.

GeneDx
Classification: Uncertain significance. Last evaluated: 2022-07-08. Review status: criteria provided, single submitter. Criteria: GeneDx Variant Classification Process June 2021. Collection method: clinical testing. Allele origin: germline. Affected: yes.
Comment: In silico analysis supports that this missense variant has a deleterious effect on protein structure/function; Has not been previously published as pathogenic or benign to our knowledge

Blueprint Genetics
Classification: Uncertain significance. Last evaluated: 2021-11-04. Review status: criteria provided, single submitter. Criteria: ACMG Guidelines, 2015. Collection method: clinical testing. Allele origin: germline.

Genome-Nilou Lab
Classification: Uncertain significance for Autosomal recessive nonsyndromic hearing loss 23. Last evaluated: 2021-07-14. Review status: criteria provided, single submitter. Criteria: ACMG Guidelines, 2015. Collection method: clinical testing. Allele origin: germline. Affected: no.

Genome-Nilou Lab
Classification: Uncertain significance for Usher syndrome type 1F. Last evaluated: 2021-07-14. Review status: criteria provided, single submitter. Criteria: ACMG Guidelines, 2015. Collection method: clinical testing. Allele origin: germline. Affected: no.